The following is an entry in ClinVar:

ClinVar aggregate classification (germline): Uncertain significance (1 of 4 stars; one submission).

Conditions:
Hereditary cancer-predisposing syndrome. Also called: Neoplastic Syndromes, Hereditary; Tumor predisposition; Hereditary Cancer Syndrome; Hereditary neoplastic syndrome. Identifiers: Orphanet 140162, MedGen C0027672, MeSH D009386, MONDO:0015356.

Submission:

Labcorp Genetics (formerly Invitae), Labcorp
Classification: Uncertain significance for Hereditary cancer-predisposing syndrome. Last evaluated: 2017-12-03. Review status: criteria provided, single submitter. Criteria: Invitae Variant Classification Sherloc (09022015). Collection method: clinical testing. Allele origin: germline.
Comment: This variant is not present in population databases (ExAC no frequency). This sequence change replaces aspartic acid with alanine at codon 727 of the RAD50 protein (p.Asp727Ala). The aspartic acid residue is moderately conserved and there is a moderate physicochemical difference between aspartic acid and alanine. This variant has not been reported in the literature in individuals with RAD50-related disease. In summary, the available evidence is currently insufficient to determine the role of this variant in disease. Therefore, it has been classified as a Variant of Uncertain Significance. Algorithms developed to predict the effect of missense changes on protein structure and function (SIFT, PolyPhen-2, Align-GVGD) all suggest that this variant is likely to be tolerated, but these predictions have not been confirmed by published functional studies and their clinical significance is uncertain.

NM_005732.4(RAD50):c.2180A>C (p.Asp727Ala)

Gene: RAD50 (RAD50 double strand break repair protein; plus strand). Cytogenetic location: 5q31.1.
Variant type: single nucleotide variant.
Coding change: c.2180A>C on transcript NM_005732.4 (MANE Select); coding-DNA position 2180, A replaced by C.
Protein change: p.Asp727Ala; replaces aspartic acid 727 with alanine.
Molecular consequence: missense variant.
Genome position (GRCh38, 1-based): chr5:132,595,783, A>C. VCF-style: chr5-132595783-A-C. GRCh37 (hg19) VCF-style: chr5-131931475-A-C.
Other names: short protein forms D727A.
Identifiers: ClinVar variation 527373 (VCV000527373.9), dbSNP rs1554098712, ClinGen allele CA360950716.